The following is an entry in ClinVar:

ClinVar aggregate classification (germline): Uncertain significance (1 of 4 stars; one submission).

Conditions:
Inborn genetic diseases. Identifiers: MedGen C0950123, MeSH D030342.

gnomAD v4.1: 2 of 1,613,464 alleles (0.00012%); highest among the groups gnomAD compares: East Asian, 0.0022%; no homozygotes.

Submission:

Ambry Genetics
Classification: Uncertain significance for Inborn genetic diseases. Last evaluated: 2025-06-21. Review status: criteria provided, single submitter. Criteria: Ambry Variant Classification Scheme 2023. Collection method: clinical testing. Allele origin: germline.
Comment: The p.P249R variant (also known as c.746C>G), located in coding exon 6 of the HAX1 gene, results from a C to G substitution at nucleotide position 746. The proline at codon 249 is replaced by arginine, an amino acid with dissimilar properties. This amino acid position is conserved. In addition, this alteration is predicted to be tolerated by in silico analysis. Based on the available evidence, the clinical significance of this variant remains unclear.

NM_006118.4(HAX1):c.746C>G (p.Pro249Arg)

Gene: HAX1 (HCLS1 associated protein X-1; plus strand). Cytogenetic location: 1q21.3.
Variant type: single nucleotide variant.
Coding change: c.746C>G on transcript NM_006118.4 (MANE Select); coding-DNA position 746, C replaced by G.
Protein change: p.Pro249Arg; replaces proline 249 with arginine.
Molecular consequence: missense variant.
Genome position (GRCh38, 1-based): chr1:154,275,475, C>G. VCF-style: chr1-154275475-C-G. GRCh37 (hg19) VCF-style: chr1-154247951-C-G.
Other names: c.602C>G, p.Pro201Arg (NM_001018837.2); short protein forms P249R, P201R.
Identifiers: ClinVar variation 4269015 (VCV004269015.1).